The following is an entry in ClinVar:

ClinVar aggregate classification (germline): Uncertain significance (1 of 4 stars; one submission).

Conditions:
Cardiovascular phenotype. Identifiers: MedGen CN230736.

Submission:

Ambry Genetics
Classification: Uncertain significance for Cardiovascular phenotype. Last evaluated: 2025-10-25. Review status: criteria provided, single submitter. Criteria: Ambry Variant Classification Scheme 2023. Collection method: clinical testing. Allele origin: germline.
Comment: The p.F485V variant (also known as c.1453T>G), located in coding exon 10 of the CBL gene, results from a T to G substitution at nucleotide position 1453. The phenylalanine at codon 485 is replaced by valine, an amino acid with highly similar properties. This amino acid position is conserved. In addition, this alteration is predicted to be tolerated by in silico analysis. Based on the available evidence, the clinical significance of this variant remains unclear.

NM_005188.4(CBL):c.1453T>G (p.Phe485Val)

Gene: CBL (Cbl proto-oncogene; plus strand). Cytogenetic location: 11q23.3.
Variant type: single nucleotide variant.
Coding change: c.1453T>G on transcript NM_005188.4 (MANE Select); coding-DNA position 1453, T replaced by G.
Protein change: p.Phe485Val; replaces phenylalanine 485 with valine.
Molecular consequence: missense variant.
Genome position (GRCh38, 1-based): chr11:119,284,990, T>G. VCF-style: chr11-119284990-T-G. GRCh37 (hg19) VCF-style: chr11-119155700-T-G.
Other names: short protein forms F485V.
Identifiers: ClinVar variation 4613847 (VCV004613847.1).